The following is an entry in ClinVar:

ClinVar aggregate classification (germline): Likely pathogenic (1 of 4 stars; one submission).

Submission:

CeGaT Center for Human Genetics Tuebingen
Classification: Likely pathogenic. Last evaluated: 2023-11-01. Review status: criteria provided, single submitter. Criteria: CeGaT Center For Human Genetics Tuebingen Variant Classification Criteria Version 2. Collection method: clinical testing. Allele origin: germline. Affected: yes. Observed: 1 variant allele.
Comment: SPAST: PM1, PM2, PP2, PP3

NM_014946.4(SPAST):c.1235C>T (p.Thr412Ile)

Gene: SPAST (spastin; plus strand). Cytogenetic location: 2p22.3.
Variant type: single nucleotide variant.
Coding change: c.1235C>T on transcript NM_014946.4 (MANE Select); coding-DNA position 1235, C replaced by T.
Protein change: p.Thr412Ile; replaces threonine 412 with isoleucine.
Molecular consequence: missense variant.
Genome position (GRCh38, 1-based): chr2:32,128,469, C>T. VCF-style: chr2-32128469-C-T. GRCh37 (hg19) VCF-style: chr2-32353538-C-T.
Other names: c.1232C>T, p.Thr411Ile (NM_001363823.2); c.1136C>T, p.Thr379Ile (NM_001363875.2); c.1139C>T, p.Thr380Ile (NM_001377959.1, NM_199436.2); short protein forms T379I, T380I, T411I, T412I.
Identifiers: ClinVar variation 2672806 (VCV002672806.23), dbSNP rs2465864938, ClinGen allele CA346501497.